The following is an entry in ClinVar:

ClinVar aggregate classification (germline): Uncertain significance (1 of 4 stars; one submission).

Conditions:
Hereditary cancer-predisposing syndrome. Also called: Hereditary neoplastic syndrome; Neoplastic Syndromes, Hereditary; Tumor predisposition; Hereditary Cancer Syndrome. Identifiers: Orphanet 140162, MedGen C0027672, MeSH D009386, MONDO:0015356.

Submission:

Ambry Genetics
Classification: Uncertain significance for Hereditary cancer-predisposing syndrome. Last evaluated: 2025-07-12. Review status: criteria provided, single submitter. Criteria: Ambry Variant Classification Scheme 2023. Collection method: clinical testing. Allele origin: germline.
Comment: The p.N135S variant (also known as c.404A>G), located in coding exon 3 of the PRKAR1A gene, results from an A to G substitution at nucleotide position 404. The asparagine at codon 135 is replaced by serine, an amino acid with highly similar properties. This amino acid position is conserved. In addition, the in silico prediction for this alteration is inconclusive. Based on the available evidence, the clinical significance of this variant remains unclear.

NM_002734.5(PRKAR1A):c.404A>G (p.Asn135Ser)

Gene: PRKAR1A (protein kinase cAMP-dependent type I regulatory subunit alpha; plus strand). Cytogenetic location: 17q24.2.
Variant type: single nucleotide variant.
Coding change: c.404A>G on transcript NM_002734.5 (MANE Select); coding-DNA position 404, A replaced by G.
Protein change: p.Asn135Ser; replaces asparagine 135 with serine.
Molecular consequence: missense variant.
Genome position (GRCh38, 1-based): chr17:68,523,780, A>G. VCF-style: chr17-68523780-A-G. GRCh37 (hg19) VCF-style: chr17-66519921-A-G.
Other names: c.404A>G, p.Asn135Ser (NM_001276289.2, NM_001276290.1, NM_001278433.2 and 4 more transcripts); short protein forms N135S.
Identifiers: ClinVar variation 4144361 (VCV004144361.1).